The following is an entry in ClinVar:

ClinVar aggregate classification (germline): Uncertain significance. Review status: criteria provided, single submitter (1 of 4 stars). 2 submissions from 2 submitters: Uncertain significance (1). 1 of the submissions does not count toward it. Last evaluated 2023-12-23.

Conditions:
MLH3-related disorder. Also called: MLH3-related condition.

Allele frequency attached by ClinVar (database versions not stated): gnomAD exomes below 0.00001; gnomAD 0.00001; ExAC 0.00002; 1000 Genomes Project 0.00040; 1000 Genomes Project 30x 0.00047.

Submissions (2):

Ambry Genetics
Classification: Uncertain significance. Last evaluated: 2023-12-23. Review status: criteria provided, single submitter. Criteria: Ambry Variant Classification Scheme 2023. Collection method: clinical testing. Allele origin: germline.
Comment: The p.I328T variant (also known as c.983T>C), located in coding exon 1 of the MLH3 gene, results from a T to C substitution at nucleotide position 983. The isoleucine at codon 328 is replaced by threonine, an amino acid with similar properties. This amino acid position is conserved. In addition, this alteration is predicted to be deleterious by in silico analysis. Since supporting evidence is limited at this time, the clinical significance of this alteration remains unclear.

PreventionGenetics, part of Exact Sciences
Classification: Uncertain significance for MLH3-related condition. Last evaluated: 2024-05-02. Review status: no assertion criteria provided. Collection method: clinical testing. Allele origin: germline. Not counted in ClinVar's aggregate classification.
Comment: The MLH3 c.983T>C variant is predicted to result in the amino acid substitution p.Ile328Thr. To our knowledge, this variant has not been reported in the literature. This variant is reported in 0.0046% of alleles in individuals of European (Finnish) descent in gnomAD. At this time, the clinical significance of this variant is uncertain due to the absence of conclusive functional and genetic evidence.

NM_001040108.2(MLH3):c.983T>C (p.Ile328Thr)

Gene: MLH3 (mutL homolog 3; minus strand). Cytogenetic location: 14q24.3.
Variant type: single nucleotide variant.
Coding change: c.983T>C on transcript NM_001040108.2 (MANE Select); coding-DNA position 983, T replaced by C.
Protein change: p.Ile328Thr; replaces isoleucine 328 with threonine.
Molecular consequence: missense variant.
Genome position (GRCh38, 1-based): chr14:75,048,673, A>G on the plus strand (T>C on the coding strand, the complement: MLH3 is on the minus strand). VCF-style: chr14-75048673-A-G. GRCh37 (hg19) VCF-style: chr14-75515376-A-G.
Other names: c.983T>C, p.Ile328Thr (NM_014381.3); short protein forms I328T.
Identifiers: ClinVar variation 1768360 (VCV001768360.3), dbSNP rs149383679, ClinGen allele CA7275936.